The following is an entry in ClinVar:

NM_002693.3(POLG):c.313G>C (p.Glu105Gln)

Genes: POLG (DNA polymerase gamma, catalytic subunit; minus strand), POLGARF (POLG alternative reading frame; minus strand). Cytogenetic location: 15q26.1.
Variant type: single nucleotide variant.
Coding change: c.313G>C on transcript NM_002693.3 (MANE Select); coding-DNA position 313, G replaced by C.
Protein change: p.Glu105Gln; replaces glutamic acid 105 with glutamine.
Molecular consequence: missense variant.
Genome position (GRCh38, 1-based): chr15:89,333,442, C>G on the plus strand (G>C on the coding strand, the complement: POLG is on the minus strand). VCF-style: chr15-89333442-C-G. GRCh37 (hg19) VCF-style: chr15-89876673-C-G.
Other names: c.313G>C, p.Glu105Gln (NM_001126131.2); short protein forms E105Q.
Identifiers: ClinVar variation 1471304 (VCV001471304.6), dbSNP rs1049712904, ClinGen allele CA393772840.

ClinVar aggregate classification (germline): Uncertain significance (1 of 4 stars; one submission).

Conditions:
Progressive sclerosing poliodystrophy (MTDPS4A). Also called: Mitochondrial DNA depletion syndrome 4A (Alpers type); ALPERS PROGRESSIVE INFANTILE POLIODYSTROPHY; NEURONAL DEGENERATION OF CHILDHOOD WITH LIVER DISEASE, PROGRESSIVE; Mitochondrial DNA Depletion Syndrome 4A; Alpers-Huttenlocher Syndrome (AHS); Alpers Syndrome. Identifiers: Orphanet 726, MedGen C0205710, MONDO:0008758, OMIM 203700.

Submission:

Labcorp Genetics (formerly Invitae), Labcorp
Classification: Uncertain significance for Progressive sclerosing poliodystrophy. Last evaluated: 2021-11-15. Review status: criteria provided, single submitter. Criteria: Invitae Variant Classification Sherloc (09022015). Collection method: clinical testing. Allele origin: germline.
Comment: This sequence change replaces glutamic acid, which is acidic and polar, with glutamine, which is neutral and polar, at codon 105 of the POLG protein (p.Glu105Gln). This variant is not present in population databases (gnomAD no frequency). This variant has not been reported in the literature in individuals affected with POLG-related conditions. Algorithms developed to predict the effect of missense changes on protein structure and function output the following: SIFT: "Tolerated"; PolyPhen-2: "Benign"; Align-GVGD: "Class C0". The glutamine amino acid residue is found in multiple mammalian species, which suggests that this missense change does not adversely affect protein function. In summary, the available evidence is currently insufficient to determine the role of this variant in disease. Therefore, it has been classified as a Variant of Uncertain Significance.